The following is an entry in ClinVar:

ClinVar aggregate classification (germline): Uncertain significance. Review status: criteria provided, multiple submitters, no conflicts (2 of 4 stars). 2 submissions from 2 submitters: Uncertain significance (2). Last evaluated 2025-06-24.

Conditions:
Inborn genetic diseases. Identifiers: MedGen C0950123, MeSH D030342.
DOCK2 deficiency. Also called: Immunodeficiency 40. Identifiers: Orphanet 447737, MedGen C4225328, MONDO:0014637, OMIM 616433.

Allele frequency attached by ClinVar (database versions not stated): TOPMed 0.00004; ESP Exome Variant Server 0.00008.
gnomAD v4.1: 28 of 1,613,602 alleles (0.0017%); highest among the groups gnomAD compares: East Asian, 0.0045%; no homozygotes.

Submissions (2):

Ambry Genetics
Classification: Uncertain significance for Inborn genetic diseases. Last evaluated: 2025-06-24. Review status: criteria provided, single submitter. Criteria: Ambry Variant Classification Scheme 2023. Collection method: clinical testing. Allele origin: germline.

Labcorp Genetics (formerly Invitae), Labcorp
Classification: Uncertain significance for DOCK2 deficiency. Last evaluated: 2023-08-17. Review status: criteria provided, single submitter. Criteria: Invitae Variant Classification Sherloc (09022015). Collection method: clinical testing. Allele origin: germline.
Comment: In summary, the available evidence is currently insufficient to determine the role of this variant in disease. Therefore, it has been classified as a Variant of Uncertain Significance. An algorithm developed to predict the effect of missense changes on protein structure and function (PolyPhen-2) suggests that this variant is likely to be tolerated. ClinVar contains an entry for this variant (Variation ID: 1037911). This variant has not been reported in the literature in individuals affected with DOCK2-related conditions. This variant is present in population databases (rs368481515, gnomAD 0.006%). This sequence change replaces aspartic acid, which is acidic and polar, with asparagine, which is neutral and polar, at codon 1627 of the DOCK2 protein (p.Asp1627Asn).

NM_004946.3(DOCK2):c.4879G>A (p.Asp1627Asn)

Gene: DOCK2 (dedicator of cytokinesis 2; plus strand). Cytogenetic location: 5q35.1.
Variant type: single nucleotide variant.
Coding change: c.4879G>A on transcript NM_004946.3 (MANE Select); coding-DNA position 4879, G replaced by A.
Protein change: p.Asp1627Asn; replaces aspartic acid 1627 with asparagine.
Molecular consequence: missense variant. On other transcripts: non-coding transcript variant (1).
Genome position (GRCh38, 1-based): chr5:170,077,722, G>A. VCF-style: chr5-170077722-G-A. GRCh37 (hg19) VCF-style: chr5-169504726-G-A.
Other names: c.4879G>A (NM_004946.2); short protein forms D1627N.
Identifiers: ClinVar variation 1037911 (VCV001037911.10), dbSNP rs368481515, ClinGen allele CA3554691.